The following is an entry in ClinVar:

NM_181078.3(IL21R):c.1124C>T (p.Ser375Phe)

Genes: IL21R (interleukin 21 receptor; plus strand), IL21R-AS1 (IL21R antisense RNA 1; minus strand). Cytogenetic location: 16p12.1.
Variant type: single nucleotide variant.
Coding change: c.1124C>T on transcript NM_181078.3 (MANE Select); coding-DNA position 1124, C replaced by T.
Protein change: p.Ser375Phe; replaces serine 375 with phenylalanine.
Molecular consequence: missense variant. On other transcripts: non-coding transcript variant (1).
Genome position (GRCh38, 1-based): chr16:27,448,790, C>T. VCF-style: chr16-27448790-C-T. GRCh37 (hg19) VCF-style: chr16-27460111-C-T.
Other names: c.1124C>T, p.Ser375Phe (NM_021798.4); c.1190C>T, p.Ser397Phe (NM_181079.5); short protein forms S375F, S397F.
Identifiers: ClinVar variation 1376180 (VCV001376180.7), dbSNP rs2141319216, ClinGen allele CA395307346.

ClinVar aggregate classification (germline): Uncertain significance. Review status: criteria provided, multiple submitters, no conflicts (2 of 4 stars). 2 submissions from 2 submitters: Uncertain significance (2). Last evaluated 2022-06-27.

Conditions:
Cryptosporidiosis-chronic cholangitis-liver disease syndrome. Also called: IL21R immunodeficiency; Immunodeficiency type 56. Identifiers: Orphanet 357329, MedGen C3554687, MONDO:0014082, OMIM 615207.

Submissions (2):

Labcorp Genetics (formerly Invitae), Labcorp
Classification: Uncertain significance for Cryptosporidiosis-chronic cholangitis-liver disease syndrome. Last evaluated: 2022-06-27. Review status: criteria provided, single submitter. Criteria: Invitae Variant Classification Sherloc (09022015). Collection method: clinical testing. Allele origin: germline.
Comment: In summary, the available evidence is currently insufficient to determine the role of this variant in disease. Therefore, it has been classified as a Variant of Uncertain Significance. Algorithms developed to predict the effect of missense changes on protein structure and function (SIFT, PolyPhen-2, Align-GVGD) all suggest that this variant is likely to be disruptive. This variant has not been reported in the literature in individuals affected with IL21R-related conditions. This variant is not present in population databases (gnomAD no frequency). This sequence change replaces serine, which is neutral and polar, with phenylalanine, which is neutral and non-polar, at codon 375 of the IL21R protein (p.Ser375Phe).

Blueprint Genetics
Classification: Uncertain significance. Last evaluated: 2019-12-09. Review status: criteria provided, single submitter. Criteria: ACMG Guidelines, 2015. Collection method: clinical testing. Allele origin: germline.